The following is an entry in ClinVar:

ClinVar aggregate classification (germline): Uncertain significance. Review status: criteria provided, multiple submitters, no conflicts (2 of 4 stars). 2 submissions from 2 submitters: Uncertain significance (2). Last evaluated 2025-08-31.

Submissions (2):

Labcorp Genetics (formerly Invitae), Labcorp
Classification: Uncertain significance. Last evaluated: 2025-08-31. Review status: criteria provided, single submitter. Criteria: Invitae Variant Classification Sherloc (09022015). Collection method: clinical testing. Allele origin: germline.
Comment: This sequence change creates a premature translational stop signal (p.Glu508*) in the RECQL gene. It is expected to result in an absent or disrupted protein product. However, the current clinical and genetic evidence is not sufficient to establish whether loss-of-function variants in RECQL cause disease. This variant is not present in population databases (gnomAD no frequency). This variant has not been reported in the literature in individuals affected with RECQL-related conditions. ClinVar contains an entry for this variant (Variation ID: 1774465). In summary, the available evidence is currently insufficient to determine the role of this variant in disease. Therefore, it has been classified as a Variant of Uncertain Significance.

Ambry Genetics
Classification: Uncertain significance. Last evaluated: 2024-03-20. Review status: criteria provided, single submitter. Criteria: Ambry Variant Classification Scheme 2023. Collection method: clinical testing. Allele origin: germline.
Comment: The p.E508* variant (also known as c.1522G>T), located in coding exon 12 of the RECQL gene, results from a G to T substitution at nucleotide position 1522. This changes the amino acid from a glutamic acid to a stop codon within coding exon 12. This alteration is expected to result in loss of function by premature protein truncation or nonsense-mediated mRNA decay. The evidence for this gene-disease relationship is limited; therefore, the clinical significance of this alteration is unclear.

NM_002907.4(RECQL):c.1522G>T (p.Glu508Ter)

Gene: RECQL (RecQ like helicase; minus strand). Cytogenetic location: 12p12.1.
Variant type: single nucleotide variant.
Coding change: c.1522G>T on transcript NM_002907.4 (MANE Select); coding-DNA position 1522, G replaced by T.
Protein change: p.Glu508Ter; replaces glutamic acid 508 with a stop codon.
Molecular consequence: nonsense.
Genome position (GRCh38, 1-based): chr12:21,471,573, C>A on the plus strand (G>T on the coding strand, the complement: RECQL is on the minus strand). VCF-style: chr12-21471573-C-A. GRCh37 (hg19) VCF-style: chr12-21624507-C-A.
Other names: c.1522G>T, p.Glu508Ter (NM_032941.3); short protein forms E508*.
Identifiers: ClinVar variation 1774465 (VCV001774465.3), dbSNP rs2540321883, ClinGen allele CA384116232.
Genomic context (GRCh38, chr12:21,471,573, plus strand): 5'-TCAGTTTTGCTGCACCCTTTCCCATCCAAGAATCAATCAGTTTCAATGGAGTGAGTTTTT[C>A]ATTCAGTTCCTCTGCCTGCTTCAGGATCTTGATTAGATCTCTGCAGTACTCTGTTATGTT-3'